The following is an entry in ClinVar:

GRCh38/hg38 9p24.3(chr9:204193-381489)x3

Genes: DOCK8 (dedicator of cytokinesis 8; plus strand), DOCK8-AS1 (DOCK8 antisense RNA 1; minus strand), LOC126860552 (BRD4-independent group 4 enhancer GRCh37_chr9:285795-286994; plus strand), LOC130001435 (ATAC-STARR-seq lymphoblastoid silent region 19720; plus strand), LOC130001436 (ATAC-STARR-seq lymphoblastoid silent region 19721; plus strand) and 4 more. Cytogenetic location: 9p24.3.
Variant type: copy number gain.
Change: copy number 3 (three copies instead of two) of chr9:204,193-381,489 (177.3 kb, GRCh38 coordinates, 1-based), cytogenetic band 9p24.3.
Identifiers: ClinVar variation 160980 (VCV000160980.1).

ClinVar aggregate classification (germline): Uncertain significance (1 of 4 stars; one submission).

Submission:

ISCA site 4
Classification: Uncertain significance. Last evaluated: 2011-08-12. Review status: criteria provided, single submitter. Criteria: Kaminsky et al. (Genet Med. 2011). Collection method: clinical testing. Allele origin: maternal. Affected: yes. Observed: 1 variant allele.
Comment: Copy number variation identified through the course of routine clinical cytogenomic testing in postnatal populations. Clinical assertions have been curated as described in Kaminsky et al. 2011.